The following is an entry in ClinVar:

ClinVar aggregate classification (germline): Likely benign (1 of 4 stars; one submission).

Allele frequency attached by ClinVar (database versions not stated): gnomAD exomes 0.00038; ExAC 0.00090; gnomAD 0.00288; TOPMed 0.00362; ESP Exome Variant Server 0.00369; 1000 Genomes Project 0.00399; 1000 Genomes Project 30x 0.00437.
gnomAD v4.1: 1,042 of 1,612,792 alleles (0.065%); highest among the groups gnomAD compares: African/African-American, 1.1%; 5 homozygotes.

Submission:

CeGaT Center for Human Genetics Tuebingen
Classification: Likely benign. Last evaluated: 2022-09-01. Review status: criteria provided, single submitter. Criteria: CeGaT Center For Human Genetics Tuebingen Variant Classification Criteria Version 2. Collection method: clinical testing. Allele origin: germline. Affected: yes. Observed: 1 variant allele.
Comment: SOX30: BP4, BP7

NM_178424.2(SOX30):c.1044A>G (p.Ala348=)

Gene: SOX30 (SRY-box transcription factor 30; minus strand). Cytogenetic location: 5q33.3.
Variant type: single nucleotide variant.
Coding change: c.1044A>G on transcript NM_178424.2 (MANE Select); coding-DNA position 1044, A replaced by G.
Protein change: p.Ala348=; no amino-acid change (alanine 348 retained).
Molecular consequence: synonymous variant.
Genome position (GRCh38, 1-based): chr5:157,648,820, T>C on the plus strand (A>G on the coding strand, the complement: SOX30 is on the minus strand). VCF-style: chr5-157648820-T-C. GRCh37 (hg19) VCF-style: chr5-157075828-T-C.
Other names: c.129A>G, p.Ala43= (NM_001308165.2); c.1044A>G, p.Ala348= (NM_007017.3).
Identifiers: ClinVar variation 2656001 (VCV002656001.24), dbSNP rs12518542, ClinGen allele CA3535943.